The following is an entry in ClinVar:

ClinVar aggregate classification (germline): Uncertain significance (1 of 4 stars; one submission).

Conditions:
Asphyxiating thoracic dystrophy 3. Also called: SHORT-RIB THORACIC DYSPLASIA 3 WITH OR WITHOUT POLYDACTYLY; POLYDACTYLY WITH NEONATAL CHONDRODYSTROPHY, TYPE I; SHORT-RIB THORACIC DYSPLASIA 3/6 WITH POLYDACTYLY, DIGENIC; Short rib polydactyly syndrome 2B; Saldino-Noonan Syndrome. Identifiers: Orphanet 474, Orphanet 93269, Orphanet 93270, Orphanet 93271, MedGen C0036069, MONDO:0013127, OMIM 613091.

Submission:

ARUP Laboratories, Molecular Genetics and Genomics, ARUP Laboratories
Classification: Uncertain significance for Asphyxiating thoracic dystrophy 3. Last evaluated: 2024-02-07. Review status: criteria provided, single submitter. Criteria: ARUP Molecular Germline Variant Investigation Process 2024. Collection method: clinical testing. Allele origin: germline.
Comment: The DYNC2H1 c.12889G>T; p.Gly4297Cys variant, to our knowledge, is not reported in the medical literature or gene specific databases. This variant is also absent from the Genome Aggregation Database (v2.1.1), indicating it is not a common polymorphism. Computational analyses are uncertain whether this variant is neutral or deleterious (REVEL: 0.183). Due to limited information, the clinical significance of this variant is uncertain at this time.

NM_001377.3(DYNC2H1):c.12868G>T (p.Gly4290Cys)

Gene: DYNC2H1 (dynein cytoplasmic 2 heavy chain 1; plus strand). Cytogenetic location: 11q22.3.
Variant type: single nucleotide variant.
Coding change: c.12868G>T on transcript NM_001377.3 (MANE Select); coding-DNA position 12868, G replaced by T.
Protein change: p.Gly4290Cys; replaces glycine 4290 with cysteine.
Molecular consequence: missense variant.
Genome position (GRCh38, 1-based): chr11:103,479,197, G>T. VCF-style: chr11-103479197-G-T. GRCh37 (hg19) VCF-style: chr11-103349925-G-T.
Other names: c.12889G>T, p.Gly4297Cys (NM_001080463.2); short protein forms G4290C, G4297C.
Identifiers: ClinVar variation 3767091 (VCV003767091.1).